The following is an entry in ClinVar:

ClinVar aggregate classification (germline): Uncertain significance (1 of 4 stars; one submission).

Conditions:
GLDN-related disorder. Also called: GLDN-related condition.

gnomAD v4.1: 1 of 1,613,960 alleles (0.000062%); highest among the groups gnomAD compares: Non-Finnish European, 0.000085%; no homozygotes.

Submission:

PreventionGenetics, part of Exact Sciences
Classification: Uncertain significance for GLDN-related condition. Last evaluated: 2023-02-16. Review status: criteria provided, single submitter. Criteria: ACMG Guidelines, 2015. Collection method: clinical testing. Allele origin: germline.
Comment: The GLDN c.418C>T variant is predicted to result in the amino acid substitution p.Pro140Ser. To our knowledge, this variant has not been reported in the literature or in a large population database, indicating this variant is rare. At this time, the clinical significance of this variant is uncertain due to the absence of conclusive functional and genetic evidence.

NM_181789.4(GLDN):c.418C>T (p.Pro140Ser)

Gene: GLDN (gliomedin; plus strand). Cytogenetic location: 15q21.2.
Variant type: single nucleotide variant.
Coding change: c.418C>T on transcript NM_181789.4 (MANE Select); coding-DNA position 418, C replaced by T.
Protein change: p.Pro140Ser; replaces proline 140 with serine.
Molecular consequence: missense variant.
Genome position (GRCh38, 1-based): chr15:51,383,438, C>T. VCF-style: chr15-51383438-C-T. GRCh37 (hg19) VCF-style: chr15-51675635-C-T.
Other names: c.46C>T, p.Pro16Ser (NM_001330297.2); short protein forms P140S, P16S.
Identifiers: ClinVar variation 2629056 (VCV002629056.1), dbSNP rs2542830908, ClinGen allele CA392427835.
Genomic context (GRCh38, chr15:51,383,438, plus strand): 5'-GCTCTTTGTTTTCTGGGTTCGGTGCTGGTTTCTCAACTAAATTTTTTTTCCGTTGTAGGA[C>T]CTTCTGGACCACCAGGTAAGAGCCCATGGATTTTCTAGTTCAAGGGGAGGCTGTGGGTGG-3'
Protein context (NP_861454.2, residues 130-150): NSTKGICLTG[Pro140Ser]SGPPGPPGAG